The following is an entry in ClinVar:

NM_000540.3(RYR1):c.8388C>T (p.Thr2796=)

Genes: RYR1 (ryanodine receptor 1; plus strand), LOC126862902 (BRD4-independent group 4 enhancer GRCh37_chr19:38995830-38997029; plus strand). Cytogenetic location: 19q13.2.
Variant type: single nucleotide variant.
Coding change: c.8388C>T on transcript NM_000540.3 (MANE Select); coding-DNA position 8388, C replaced by T.
Protein change: p.Thr2796=; no amino-acid change (threonine 2796 retained).
Molecular consequence: synonymous variant.
Genome position (GRCh38, 1-based): chr19:38,505,386, C>T. VCF-style: chr19-38505386-C-T. GRCh37 (hg19) VCF-style: chr19-38996026-C-T.
Other names: c.8388C>T, p.Thr2796= (NM_001042723.2).
Identifiers: ClinVar variation 1135978 (VCV001135978.12), dbSNP rs768990462, ClinGen allele CA071935.
Genomic context (GRCh38, chr19:38,505,386, plus strand): 5'-CTATGGAGAGAACATAGACGAGGAGCTGAAGACCCACCCCATGCTGAGGCCCTACAAGAC[C>T]TTTTCAGAGAAGGTGACCAGGCCTTGGGGCCCAGCATTGAGGGTCAAAATGAAACCCCCA-3'
Protein context (NP_000531.2, residues 2786-2806): KTHPMLRPYK[Thr2796=]FSEKDKEIYR

ClinVar aggregate classification (germline): Likely benign. Review status: criteria provided, multiple submitters, no conflicts (2 of 4 stars). 3 submissions from 3 submitters: Likely benign (3). Last evaluated 2025-09-09.

Conditions:
Malignant hyperthermia, susceptibility to, 1 (MHS1). Also called: RYR1-Related Malignant Hyperthermia Susceptibility; Malignant hyperthermia suceptibility 1; Anesthesia related hyperthermia; Malignant hyperpyrexia; Fulminating hyperpyrexia; Pharmacogenic myopathy. Identifiers: Orphanet 423, MedGen C2930980, MONDO:0007783, OMIM 145600.
RYR1-related disorder. Also called: RYR1-related condition; RYR1-related disorders. Identifiers: MedGen CN239331.

Allele frequency attached by ClinVar (database versions not stated): ExAC 0.00001; gnomAD 0.00001; gnomAD exomes 0.00001 and 0.00002; TOPMed 0.00001.
gnomAD v4.1: 34 of 1,609,332 alleles (0.0021%); highest among the groups gnomAD compares: Non-Finnish European, 0.0028%; no homozygotes.

Submissions (3):

Labcorp Genetics (formerly Invitae), Labcorp
Classification: Likely benign for RYR1-related disorder. Last evaluated: 2025-09-09. Review status: criteria provided, single submitter. Criteria: Invitae Variant Classification Sherloc (09022015). Collection method: clinical testing. Allele origin: germline.

All of Us Research Program, National Institutes of Health
Classification: Likely benign for Malignant hyperthermia, susceptibility to, 1. Last evaluated: 2023-11-02. Review status: criteria provided, single submitter. Criteria: ACMG Guidelines, 2015. Collection method: clinical testing. Allele origin: germline. Inheritance: Autosomal dominant inheritance. Observed: 4 variant alleles, 4 heterozygotes.
Comment: This study involves interpretation of variants in research participants for the purpose of population health screening. Participant phenotype was not available at the time of variant classification. Additional details can be found in publication PMID: 35346344, PMCID: PMC8962531

Color Diagnostics, LLC DBA Color Health
Classification: Likely benign for Malignant hyperthermia, susceptibility to, 1. Last evaluated: 2022-11-06. Review status: criteria provided, single submitter. Criteria: ACMG Guidelines, 2015. Collection method: clinical testing. Allele origin: germline.